The following is an entry in ClinVar:

ClinVar aggregate classification (germline): Pathogenic. Review status: reviewed by expert panel (3 of 4 stars). 2 submissions from 2 submitters: Pathogenic (1). 1 of the submissions does not count toward it. Last evaluated 2016-09-08.

Conditions:
Breast-ovarian cancer, familial, susceptibility to, 1 (BROVCA1). Also called: BRCA1 Hereditary Breast and Ovarian Cancer; OVARIAN CANCER, SUSCEPTIBILITY TO. Identifiers: Orphanet 145, MedGen C2676676, MONDO:0011450, OMIM 604370. Disease mechanism: loss of function.

Submissions (2):

Evidence-based Network for the Interpretation of Germline Mutant Alleles (ENIGMA)
Classification: Pathogenic for Breast-ovarian cancer, familial, susceptibility to, 1. Last evaluated: 2016-09-08. Review status: reviewed by expert panel. Criteria: ENIGMA BRCA1/2 Classification Criteria (2015). Collection method: curation. Allele origin: germline.
Comment: Variant allele predicted to encode a truncated non-functional protein.

Breast Cancer Information Core (BIC) (BRCA1)
Classification: Pathogenic for Breast-ovarian cancer, familial 1. Last evaluated: 1998-06-22. Review status: no assertion criteria provided. Collection method: clinical testing. Allele origin: germline. Affected: yes. Observed: 1 variant allele. Not counted in ClinVar's aggregate classification.

NM_007294.4(BRCA1):c.65del (p.Ile21_Leu22insTer)

Gene: BRCA1 (BRCA1 DNA repair associated; minus strand). Cytogenetic location: 17q21.31.
Variant type: Deletion.
Coding change: c.65del on transcript NM_007294.4 (MANE Select); coding-DNA position 65, one base deleted (T; older notation c.65delT).
Protein change: p.Ile21_Leu22insTer.
Molecular consequence: nonsense. On other transcripts: frameshift variant (195), 5 prime UTR variant (1), non-coding transcript variant (1).
Genome position (GRCh38, 1-based): chr17:43,124,032, A deleted on the plus strand (T on the coding strand, the reverse complement: BRCA1 is on the minus strand); the first of 2 consecutive A bases (chr17:43,124,032-43,124,033); deleting either gives the same sequence. VCF-style (leftmost placement, unchanged base first): chr17-43124031-TA-T. GRCh37 (hg19) VCF-style: chr17-41276048-TA-T.
Other names: 183delT; c.65delT (NM_007294.3); c.64delT, p.Leu22Terfs (NM_001407975.1, NM_001407976.1, NM_001407977.1 and 191 more transcripts); c.-197delT (NM_001408410.1, NM_001408452.1, NM_001408462.1 and 22 more transcripts); c.-24delT (NM_001408454.1, NM_001408459.1, NM_001408460.1 and 22 more transcripts); c.-194delT (NM_001408455.1, NM_001408456.1, NM_001408468.1 and 11 more transcripts); c.-198delT (NM_001408465.1, NM_001407695.1); c.-125delT (NM_001408478.1, NM_001408479.1, NM_001408480.1 and 46 more transcripts); and 12 more.
Identifiers: ClinVar variation 254367 (VCV000254367.3), dbSNP rs80357642, ClinGen allele CA003774.